The following is an entry in ClinVar:

ClinVar aggregate classification (germline): Uncertain significance (1 of 4 stars; one submission).

Conditions:
Duchenne muscular dystrophy (DMD). Also called: MUSCULAR DYSTROPHY, PSEUDOHYPERTROPHIC PROGRESSIVE, DUCHENNE TYPE; Duchenne Muscular Dystrophy (DMD). Identifiers: Orphanet 98896, MedGen C0013264, MONDO:0010679, OMIM 310200.

Allele frequency attached by ClinVar (database versions not stated): gnomAD exomes below 0.00001; TOPMed 0.00001.
gnomAD v4.1: 1 of 1,211,135 alleles (0.000083%); highest among the groups gnomAD compares: Non-Finnish European, 0.00011%; no homozygotes.

Submission:

Labcorp Genetics (formerly Invitae), Labcorp
Classification: Uncertain significance for Duchenne muscular dystrophy. Last evaluated: 2023-09-04. Review status: criteria provided, single submitter. Criteria: Invitae Variant Classification Sherloc (09022015). Collection method: clinical testing. Allele origin: germline.
Comment: In summary, the available evidence is currently insufficient to determine the role of this variant in disease. Therefore, it has been classified as a Variant of Uncertain Significance. Advanced modeling of protein sequence and biophysical properties (such as structural, functional, and spatial information, amino acid conservation, physicochemical variation, residue mobility, and thermodynamic stability) performed at Invitae indicates that this missense variant is not expected to disrupt DMD protein function. ClinVar contains an entry for this variant (Variation ID: 1372055). This variant has not been reported in the literature in individuals affected with DMD-related conditions. This variant is not present in population databases (gnomAD no frequency). This sequence change replaces glutamine, which is neutral and polar, with proline, which is neutral and non-polar, at codon 2940 of the DMD protein (p.Gln2940Pro).

NM_004006.3(DMD):c.8819A>C (p.Gln2940Pro)

Gene: DMD (dystrophin; minus strand). Cytogenetic location: Xp21.2.
Variant type: single nucleotide variant.
Coding change: c.8819A>C on transcript NM_004006.3 (MANE Select); coding-DNA position 8819, A replaced by C.
Protein change: p.Gln2940Pro; replaces glutamine 2940 with proline.
Molecular consequence: missense variant.
Genome position (GRCh38, 1-based): chrX:31,478,224, T>G on the plus strand (A>C on the coding strand, the complement: DMD is on the minus strand). VCF-style: chrX-31478224-T-G. GRCh37 (hg19) VCF-style: chrX-31496341-T-G.
Other names: c.8795A>C, p.Gln2932Pro (NM_000109.4); c.8807A>C, p.Gln2936Pro (NM_004009.3); c.8450A>C, p.Gln2817Pro (NM_004010.3); c.4796A>C, p.Gln1599Pro (NM_004011.4); c.4787A>C, p.Gln1596Pro (NM_004012.4); c.1439A>C, p.Gln480Pro (NM_004013.3, NM_004020.4, NM_004021.3 and 2 more transcripts); c.632A>C, p.Gln211Pro (NM_004014.3); short protein forms Q1596P, Q1599P, Q2817P, Q2932P, Q211P, Q2936P, Q2940P, Q480P.
Identifiers: ClinVar variation 1372055 (VCV001372055.6), dbSNP rs1372401429, ClinGen allele CA412654085.